The following is an entry in ClinVar:

ClinVar aggregate classification (germline): Uncertain significance (1 of 4 stars; one submission).

Submission:

Women's Health and Genetics/Laboratory Corporation of America, LabCorp
Classification: Uncertain significance. Last evaluated: 2026-05-14. Review status: criteria provided, single submitter. Criteria: LabCorp Variant Classification Summary - May 2015. Collection method: clinical testing. Allele origin: germline.
Comment: Variant summary: PEX1 c.2783G>C (p.Arg928Thr) results in a non-conservative amino acid change in the encoded protein sequence. Algorithms developed to predict the effect of missense changes on protein structure and function all suggest that this variant is likely to be disruptive. Several computational tools predict a significant impact on normal splicing: Three predict the variant abolishes a canonical 5' splicing donor site and one predicts the variant weakens a canonical 5' donor site. However, these predictions have yet to be confirmed by functional studies. The variant was absent in 251044 control chromosomes. The available data on variant occurrences in the general population are insufficient to allow any conclusion about variant significance. To our knowledge, no occurrence of c.2783G>C in individuals affected with PEX1-related conditions and no experimental evidence demonstrating its impact on protein function have been reported. No submitters have cited clinical-significance assessments for this variant to ClinVar. Based on the evidence outlined above, the variant was classified as uncertain significance.

NM_000466.3(PEX1):c.2783G>C (p.Arg928Thr)

Gene: PEX1 (peroxisomal biogenesis factor 1; minus strand). Cytogenetic location: 7q21.2.
Variant type: single nucleotide variant.
Coding change: c.2783G>C on transcript NM_000466.3 (MANE Select); coding-DNA position 2783, G replaced by C.
Protein change: p.Arg928Thr; replaces arginine 928 with threonine.
Molecular consequence: missense variant.
Genome position (GRCh38, 1-based): chr7:92,496,713, C>G on the plus strand (G>C on the coding strand, the complement: PEX1 is on the minus strand). VCF-style: chr7-92496713-C-G. GRCh37 (hg19) VCF-style: chr7-92126027-C-G.
Other names: c.2612G>C, p.Arg871Thr (NM_001282677.2); c.2159G>C, p.Arg720Thr (NM_001282678.2); short protein forms R720T, R871T, R928T.
Identifiers: ClinVar variation 4853075 (VCV004853075.1).